The following is an entry in ClinVar:

ClinVar aggregate classification (germline): Conflicting classifications of pathogenicity. Review status: criteria provided, conflicting classifications (1 of 4 stars). 4 submissions from 4 submitters: Uncertain significance (2); Likely benign (1). 1 of the submissions does not count toward it. Last evaluated 2026-03-17.

Conditions:
Autosomal recessive congenital ichthyosis 1 (LI1). Also called: ICHTHYOSIS, CONGENITAL, AUTOSOMAL RECESSIVE 1, WITH OR WITHOUT BATHING SUIT DISTRIBUTION; ICHTHYOSIS CONGENITA; ICHTHYOSIS CONGENITA II; LAMELLAR EXFOLIATION OF NEWBORN; COLLODION FETUS; DESQUAMATION OF NEWBORN. Identifiers: MedGen C4551630, MONDO:0009441, OMIM 242300.
TGM1-related disorder. Also called: TGM1-related condition.
Inborn genetic diseases. Identifiers: MedGen C0950123, MeSH D030342.

Allele frequency attached by ClinVar (database versions not stated): TOPMed below 0.00001; gnomAD 0.00001; 1000 Genomes Project 30x 0.00016; 1000 Genomes Project 0.00020.

Submissions (4):

PreventionGenetics, part of Exact Sciences
Classification: Uncertain significance for TGM1-related condition. Last evaluated: 2026-03-17. Review status: criteria provided, single submitter. Criteria: ACMG Guidelines, 2015. Collection method: clinical testing. Allele origin: germline.
Comment: The TGM1 c.1905A>C variant is predicted to result in the amino acid substitution p.Glu635Asp. To our knowledge, this variant has not been reported in the literature. This variant is reported in 0.078% of alleles in individuals of South Asian descent in gnomAD. Although we suspect that this variant may be benign, at this time, the clinical significance of this variant is uncertain due to the absence of conclusive functional and genetic evidence.

Labcorp Genetics (formerly Invitae), Labcorp
Classification: Likely benign. Last evaluated: 2024-03-11. Review status: criteria provided, single submitter. Criteria: Invitae Variant Classification Sherloc (09022015). Collection method: clinical testing. Allele origin: germline.

Ambry Genetics
Classification: Uncertain significance for Inborn genetic diseases. Last evaluated: 2023-10-17. Review status: criteria provided, single submitter. Criteria: Ambry Variant Classification Scheme 2023. Collection method: clinical testing. Allele origin: germline.

Natera, Inc.
Classification: Uncertain significance for Autosomal recessive congenital ichthyosis type 1. Last evaluated: 2020-04-17. Review status: no assertion criteria provided. Collection method: clinical testing. Allele origin: germline. Not counted in ClinVar's aggregate classification.

NM_000359.3(TGM1):c.1905A>C (p.Glu635Asp)

Gene: TGM1 (transglutaminase 1; minus strand). Cytogenetic location: 14q12.
Variant type: single nucleotide variant.
Coding change: c.1905A>C on transcript NM_000359.3 (MANE Select); coding-DNA position 1905, A replaced by C.
Protein change: p.Glu635Asp; replaces glutamic acid 635 with aspartic acid.
Molecular consequence: missense variant.
Genome position (GRCh38, 1-based): chr14:24,254,994, T>G on the plus strand (A>C on the coding strand, the complement: TGM1 is on the minus strand). VCF-style: chr14-24254994-T-G. GRCh37 (hg19) VCF-style: chr14-24724200-T-G.
Other names: c.1905A>C (NM_000359.2); short protein forms E635D.
Identifiers: ClinVar variation 991804 (VCV000991804.11), dbSNP rs547689240, ClinGen allele CA7130963.
Genomic context (GRCh38, chr14:24,254,994, plus strand): 5'-AGCCATCCAGGGGGCAGGGCTGGGTAAGGAGCACTTACAGGCCCCTGGTGCCAGCTCCAC[T>G]TCCTTCTTGGTCTCCTTGAAGATGGTACCACTGACACCAGTATAGAAAGTGACTGAGAGG-3'
Protein context (NP_000350.1, residues 625-645): SGTIFKETKK[Glu635Asp]VELAPGASDR